The following is an entry in ClinVar:

ClinVar aggregate classification (germline): Uncertain significance (1 of 4 stars; one submission).

Submission:

Labcorp Genetics (formerly Invitae), Labcorp
Classification: Uncertain significance. Last evaluated: 2024-10-21. Review status: criteria provided, single submitter. Criteria: Invitae Variant Classification Sherloc (09022015). Collection method: clinical testing. Allele origin: germline.
Comment: This sequence change replaces glycine, which is neutral and non-polar, with arginine, which is basic and polar, at codon 244 of the CXCR2 protein (p.Gly244Arg). This variant is not present in population databases (gnomAD no frequency). This variant has not been reported in the literature in individuals affected with CXCR2-related conditions. ClinVar contains an entry for this variant (Variation ID: 1380666). An algorithm developed to predict the effect of missense changes on protein structure and function (PolyPhen-2) suggests that this variant is likely to be disruptive. In summary, the available evidence is currently insufficient to determine the role of this variant in disease. Therefore, it has been classified as a Variant of Uncertain Significance.

NM_001557.4(CXCR2):c.730G>A (p.Gly244Arg)

Gene: CXCR2 (C-X-C motif chemokine receptor 2; plus strand). Cytogenetic location: 2q35.
Variant type: single nucleotide variant.
Coding change: c.730G>A on transcript NM_001557.4 (MANE Select); coding-DNA position 730, G replaced by A.
Protein change: p.Gly244Arg; replaces glycine 244 with arginine.
Molecular consequence: missense variant.
Genome position (GRCh38, 1-based): chr2:218,135,531, G>A. VCF-style: chr2-218135531-G-A. GRCh37 (hg19) VCF-style: chr2-219000254-G-A.
Other names: c.730G>A, p.Gly244Arg (NM_001168298.2); short protein forms G244R.
Identifiers: ClinVar variation 1380666 (VCV001380666.6), dbSNP rs2106108927, ClinGen allele CA350531119.
Genomic context (GRCh38, chr2:218,135,531, plus strand): 5'-CTGCTGATCATGCTGTTCTGCTACGGATTCACCCTGCGTACGCTGTTTAAGGCCCACATG[G>A]GGCAGAAGCACCGGGCCATGCGGGTCATCTTTGCTGTCGTCCTCATCTTCCTGCTCTGCT-3'
Protein context (NP_001548.1, residues 234-254): TLRTLFKAHM[Gly244Arg]QKHRAMRVIF